The following is an entry in ClinVar:

NM_001134363.3(RBM20):c.1792C>T (p.Gln598Ter)

Gene: RBM20 (RNA binding motif protein 20; plus strand). Cytogenetic location: 10q25.2.
Variant type: single nucleotide variant.
Coding change: c.1792C>T on transcript NM_001134363.3 (MANE Select); coding-DNA position 1792, C replaced by T.
Protein change: p.Gln598Ter; replaces glutamine 598 with a stop codon.
Molecular consequence: nonsense.
Genome position (GRCh38, 1-based): chr10:110,799,910, C>T. VCF-style: chr10-110799910-C-T. GRCh37 (hg19) VCF-style: chr10-112559668-C-T.
Other names: short protein forms Q598*.
Identifiers: ClinVar variation 2703181 (VCV002703181.3), dbSNP rs2493449411, ClinGen allele CA378390899.
Genomic context (GRCh38, chr10:110,799,910, plus strand): 5'-TCTGCTGTGATCAATGGTGAGAAGTTGCTCATTCGGATGTCCAAGAGATACAAGGAATTG[C>T]AGCTCAAGGTAAAGCATTATCTTGCTCATTCAGTCATTCAACAAGCACCAGATGAGTTTC-3'

ClinVar aggregate classification (germline): Pathogenic (1 of 4 stars; one submission).

Conditions:
Dilated cardiomyopathy 1DD (CMD1DD). Identifiers: Orphanet 154, MedGen C2750995, MONDO:0013168, OMIM 613172.

Submission:

Labcorp Genetics (formerly Invitae), Labcorp
Classification: Pathogenic for Dilated cardiomyopathy 1DD. Last evaluated: 2025-11-21. Review status: criteria provided, single submitter. Criteria: Invitae Variant Classification Sherloc (09022015). Collection method: clinical testing. Allele origin: germline.
Comment: This sequence change creates a premature translational stop signal (p.Gln598*) in the RBM20 gene. It is expected to result in an absent or disrupted protein product. Loss-of-function variants in RBM20 are known to be pathogenic (PMID: 20590677, 22004663, 38288598, 38510713, 40339755). This variant is not present in population databases (gnomAD no frequency). This variant has not been reported in the literature in individuals affected with RBM20-related conditions. ClinVar contains an entry for this variant (Variation ID: 2703181). For these reasons, this variant has been classified as Pathogenic.

Literature cited by the submitters: PubMed 20590677; PubMed 22004663; PubMed 38288598; PubMed 38510713; PubMed 40339755.